The following is an entry in ClinVar:

NM_000372.5(TYR):c.1185-6208A>G

Gene: TYR (tyrosinase; plus strand). Cytogenetic location: 11q14.3.
Variant type: single nucleotide variant.
Coding change: c.1185-6208A>G on transcript NM_000372.5 (MANE Select); 6208 bases into the intron before coding-DNA position 1185, A replaced by G.
Molecular consequence: intron variant.
Genome position (GRCh38, 1-based): chr11:89,278,565, A>G. VCF-style: chr11-89278565-A-G. GRCh37 (hg19) VCF-style: chr11-89011733-A-G.
Identifiers: ClinVar variation 2578667 (VCV002578667.26), dbSNP rs147546939, ClinGen allele CA226649806.

ClinVar aggregate classification (germline): Conflicting classifications of pathogenicity. Review status: criteria provided, conflicting classifications (1 of 4 stars). 3 submissions from 3 submitters: Pathogenic (1); Benign (2). Last evaluated 2026-09-01.

Allele frequency attached by ClinVar (database versions not stated): 1000 Genomes Project 0.00479; 1000 Genomes Project 30x 0.00656; gnomAD 0.01270; TOPMed 0.01397.
gnomAD v4.1: 1,931 of 151,722 alleles (1.3%); highest among the groups gnomAD compares: Admixed American, 2%; 16 homozygotes.

Submissions (3):

CeGaT Center for Human Genetics Tuebingen
Classification: Benign. Last evaluated: 2026-09-01. Review status: criteria provided, single submitter. Criteria: CeGaT Center For Human Genetics Tuebingen Variant Classification Criteria Version 2. Collection method: clinical testing. Allele origin: germline. Affected: yes. Observed: 23 variant alleles.
Comment: TYR: BS1, BS2

Labcorp Genetics (formerly Invitae), Labcorp
Classification: Pathogenic. Last evaluated: 2026-02-04. Review status: criteria provided, single submitter. Criteria: Invitae Variant Classification Sherloc (09022015). Collection method: clinical testing. Allele origin: germline.
Comment: This sequence change falls in intron 3 of the TYR gene. It does not directly change the encoded amino acid sequence of the TYR protein. This variant is present in population databases (rs147546939, gnomAD 1.8%), including homozygous individuals, and has an allele count higher than expected for a pathogenic variant. This variant has been observed in individual(s) with TYR-related conditions (PMID: 30679655, 33612058). In at least one individual the data is consistent with being in trans (on the opposite chromosome) from a pathogenic variant. This variant is also known as rs147546939A/G or haplotype YGQ. ClinVar contains an entry for this variant (Variation ID: 2578667). Studies have shown that this variant does not affect mRNA splicing (PMID: 30679655). For these reasons, this variant has been classified as Pathogenic.

Women's Health and Genetics/Laboratory Corporation of America, LabCorp
Classification: Benign. Last evaluated: 2025-11-17. Review status: criteria provided, single submitter. Criteria: LabCorp Variant Classification Summary - May 2015. Collection method: clinical testing. Allele origin: germline.
Comment: Variant summary: TYR c.1185-6208A>G is located at a position not widely known to affect splicing. Consensus agreement among computation tools predict no significant impact on normal splicing. Similarly, a functional study found no impact on splicing in a minigene assay, but was unable to test the entire surrounding sequence of intron 3 due to its large size (Gronskov_2019). The variant allele was found at a frequency of 0.013 in 151722 control chromosomes in the gnomAD database, including 16 homozygotes. The observed variant frequency exceeds the estimated maximal expected allele frequency for disease-causing variants in TYR. c.1185-6208A>G has been observed as a biallelic genotype in multiple individuals affected with Oculocutaneous Albinism, but in all cases it has been reported as part of a complex allele in cis with c.575C>A p.(Ser192Tyr) and c.1205G>A p.(Arg402Gln) (e.g. Gronskov_2019, Kessel_2021, Shchagina_2024). Interestingly, at least one case was reported of a patient who did not have the c.1185-6208A>G variant, but had both missense components of the complex allele in trans with a pathogenic variant (Shchagina_2024). These reports do not provide evidence to support an association of the variant with Oculocutaneous Albinism when found in isolation. The following publications have been ascertained in the context of this evaluation (PMID: 30679655, 33612058, 39457547). ClinVar contains an entry for this variant (Variation ID: 2578667). Based on the evidence outlined above, the variant was classified as benign.

Literature cited by the submitters: PubMed 30679655 (cited by Labcorp Genetics (formerly Invitae), Labcorp and Women's Health and Genetics/Laboratory Corporation of America, LabCorp); PubMed 33612058 (cited by Labcorp Genetics (formerly Invitae), Labcorp and Women's Health and Genetics/Laboratory Corporation of America, LabCorp); PubMed 39457547 (cited by Women's Health and Genetics/Laboratory Corporation of America, LabCorp).